The following is an entry in ClinVar:

ClinVar aggregate classification (germline): Uncertain significance (1 of 4 stars; one submission).

Conditions:
Inborn genetic diseases. Identifiers: MedGen C0950123, MeSH D030342.

Submission:

Ambry Genetics
Classification: Uncertain significance for Inborn genetic diseases. Last evaluated: 2025-09-11. Review status: criteria provided, single submitter. Criteria: Ambry Variant Classification Scheme 2023. Collection method: clinical testing. Allele origin: germline.
Comment: The p.E595G variant (also known as c.1784A>G), located in coding exon 10 of the FANCM gene, results from an A to G substitution at nucleotide position 1784. The glutamic acid at codon 595 is replaced by glycine, an amino acid with similar properties. This amino acid position is conserved. In addition, the in silico prediction for this alteration is inconclusive. Based on the available evidence, the clinical significance of this variant remains unclear.

NM_020937.4(FANCM):c.1784A>G (p.Glu595Gly)

Gene: FANCM (FA complementation group M; plus strand). Cytogenetic location: 14q21.2.
Variant type: single nucleotide variant.
Coding change: c.1784A>G on transcript NM_020937.4 (MANE Select); coding-DNA position 1784, A replaced by G.
Protein change: p.Glu595Gly; replaces glutamic acid 595 with glycine.
Molecular consequence: missense variant.
Genome position (GRCh38, 1-based): chr14:45,164,561, A>G. VCF-style: chr14-45164561-A-G. GRCh37 (hg19) VCF-style: chr14-45633764-A-G.
Other names: c.1706A>G, p.Glu569Gly (NM_001308133.2); c.1784A>G, p.Glu595Gly (NM_001308134.2); short protein forms E569G, E595G.
Identifiers: ClinVar variation 4254748 (VCV004254748.1).
Genomic context (GRCh38, chr14:45,164,561, plus strand): 5'-GTAGAACTGGCCGTAAACGTCAAGGCAGGATAGTTATTATCCTTTCTGAAGGACGAGAGG[A>G]ACGTGTAAGTAGAGCTGCAGAAACACAATTTGACACTTGAAATTTGAGAAATACAGCCCA-3'
Protein context (NP_065988.1, residues 585-605): IVIILSEGRE[Glu595Gly]RIYNQSQSNK